The following is an entry in ClinVar:

ClinVar aggregate classification (germline): Uncertain significance. Review status: criteria provided, multiple submitters, no conflicts (2 of 4 stars). 3 submissions from 3 submitters: Uncertain significance (3). Last evaluated 2025-11-08.

Conditions:
Baller-Gerold syndrome (BGS). Also called: CRANIOSYNOSTOSIS WITH RADIAL DEFECTS. Identifiers: Orphanet 1225, MedGen C0265308, MONDO:0009039, OMIM 218600.
Hereditary cancer-predisposing syndrome. Also called: Hereditary neoplastic syndrome; Neoplastic Syndromes, Hereditary; Tumor predisposition; Hereditary Cancer Syndrome. Identifiers: Orphanet 140162, MedGen C0027672, MeSH D009386, MONDO:0015356.
Inborn genetic diseases. Identifiers: MedGen C0950123, MeSH D030342.

Allele frequency attached by ClinVar (database versions not stated): gnomAD exomes below 0.00001.
gnomAD v4.1: 3 of 1,582,906 alleles (0.00019%); highest among the groups gnomAD compares: South Asian, 0.0034%; no homozygotes.

Submissions (3):

Ambry Genetics
Classification: Uncertain significance for Inborn genetic diseases. Last evaluated: 2025-11-08. Review status: criteria provided, single submitter. Criteria: Ambry Variant Classification Scheme 2023. Collection method: clinical testing. Allele origin: germline.
Comment: The p.T645R variant (also known as c.1934C>G), located in coding exon 12 of the RECQL4 gene, results from a C to G substitution at nucleotide position 1934. The threonine at codon 645 is replaced by arginine, an amino acid with similar properties. This amino acid position is conserved. In addition, the in silico prediction for this alteration is inconclusive. Based on the available evidence, the clinical significance of this variant remains unclear.

Labcorp Genetics (formerly Invitae), Labcorp
Classification: Uncertain significance for Baller-Gerold syndrome. Last evaluated: 2022-12-23. Review status: criteria provided, single submitter. Criteria: Invitae Variant Classification Sherloc (09022015). Collection method: clinical testing. Allele origin: germline.
Comment: Advanced modeling of protein sequence and biophysical properties (such as structural, functional, and spatial information, amino acid conservation, physicochemical variation, residue mobility, and thermodynamic stability) performed at Invitae indicates that this missense variant is not expected to disrupt RECQL4 protein function. ClinVar contains an entry for this variant (Variation ID: 1005033). This variant has not been reported in the literature in individuals affected with RECQL4-related conditions. This variant is not present in population databases (gnomAD no frequency). This sequence change replaces threonine, which is neutral and polar, with arginine, which is basic and polar, at codon 645 of the RECQL4 protein (p.Thr645Arg). In summary, the available evidence is currently insufficient to determine the role of this variant in disease. Therefore, it has been classified as a Variant of Uncertain Significance.

Sema4
Classification: Uncertain significance for Hereditary cancer-predisposing syndrome. Last evaluated: 2021-05-06. Review status: criteria provided, single submitter. Criteria: Sema4 Curation Guidelines. Collection method: curation. Allele origin: germline.
Comment: The RECQL4 c.1934C>G (p.T645R) variant has not been reported in the literature to our knowledge. It was not observed in the large and broad cohorts of the Genome Aggregation Database (PMID: 32461654). The variant has been reported in ClinVar (Variation ID: 1005033). In silico tools suggest the impact of the variant on protein function is benign, though these predictions have not been confirmed by functional studies. The evidence is insufficient to meet ACMG/AMP criteria for classifying the variant as benign or pathogenic. Thus, the clinical significance of this variant is currently uncertain.

NM_004260.4(RECQL4):c.1934C>G (p.Thr645Arg)

Gene: RECQL4 (RecQ like helicase 4; minus strand). Cytogenetic location: 8q24.3.
Variant type: single nucleotide variant.
Coding change: c.1934C>G on transcript NM_004260.4 (MANE Select); coding-DNA position 1934, C replaced by G.
Protein change: p.Thr645Arg; replaces threonine 645 with arginine.
Molecular consequence: missense variant.
Genome position (GRCh38, 1-based): chr8:144,514,052, G>C on the plus strand (C>G on the coding strand, the complement: RECQL4 is on the minus strand). VCF-style: chr8-144514052-G-C. GRCh37 (hg19) VCF-style: chr8-145739436-G-C.
Other names: short protein forms T645R.
Identifiers: ClinVar variation 1005033 (VCV001005033.7), dbSNP rs1827786205, ClinGen allele CA372680457.